The following is an entry in ClinVar:

ClinVar aggregate classification (germline): Uncertain significance (1 of 4 stars; one submission).

Conditions:
Rhabdoid tumor predisposition syndrome 2 (RTPS2). Identifiers: Orphanet 231108, Orphanet 69077, MedGen C2750074, MONDO:0013224, OMIM 613325.

Submission:

Labcorp Genetics (formerly Invitae), Labcorp
Classification: Uncertain significance for Rhabdoid tumor predisposition syndrome 2. Last evaluated: 2025-09-28. Review status: criteria provided, single submitter. Criteria: Invitae Variant Classification Sherloc (09022015). Collection method: clinical testing. Allele origin: germline.
Comment: This sequence change replaces glycine, which is neutral and non-polar, with serine, which is neutral and polar, at codon 775 of the SMARCA4 protein (p.Gly775Ser). This variant is not present in population databases (gnomAD no frequency). This variant has not been reported in the literature in individuals affected with SMARCA4-related conditions. ClinVar contains an entry for this variant (Variation ID: 2901853). Invitae Evidence Modeling of protein sequence and biophysical properties (such as structural, functional, and spatial information, amino acid conservation, physicochemical variation, residue mobility, and thermodynamic stability) indicates that this missense variant is expected to disrupt SMARCA4 protein function with a positive predictive value of 95%. In summary, the available evidence is currently insufficient to determine the role of this variant in disease. Therefore, it has been classified as a Variant of Uncertain Significance.

NM_003072.5(SMARCA4):c.2323G>A (p.Gly775Ser)

Gene: SMARCA4 (SWI/SNF related BAF chromatin remodeling complex subunit ATPase 4; plus strand). Cytogenetic location: 19p13.2.
Variant type: single nucleotide variant.
Coding change: c.2323G>A on transcript NM_003072.5 (MANE Select); coding-DNA position 2323, G replaced by A.
Protein change: p.Gly775Ser; replaces glycine 775 with serine.
Molecular consequence: missense variant. On other transcripts: non-coding transcript variant (1).
Genome position (GRCh38, 1-based): chr19:11,012,997, G>A. VCF-style: chr19-11012997-G-A. GRCh37 (hg19) VCF-style: chr19-11123673-G-A.
Other names: c.2323G>A, p.Gly775Ser (NM_001128844.3, NM_001128845.2, NM_001128846.2 and 6 more transcripts); short protein forms G775S.
Identifiers: ClinVar variation 2901853 (VCV002901853.3), dbSNP rs2089002976, ClinGen allele CA404053106.
Genomic context (GRCh38, chr19:11,012,997, plus strand): 5'-CTGTCCTTGCAGATCAAAGGTTTGGAGTGGCTGGTGTCCCTGTACAACAACAACCTGAAC[G>A]GCATCCTGGCCGACGAGATGGGCCTGGGGAAGACCATCCAGACCATCGCGCTCATCACGT-3'
Protein context (NP_003063.2, residues 765-785): LVSLYNNNLN[Gly775Ser]ILADEMGLGK